The following is an entry in ClinVar:

ClinVar aggregate classification (germline): Conflicting classifications of pathogenicity. Review status: criteria provided, conflicting classifications (1 of 4 stars). 2 submissions from 2 submitters: Uncertain significance (1); Likely benign (1). Last evaluated 2025-09-12.

Conditions:
Hereditary cancer-predisposing syndrome. Also called: Neoplastic Syndromes, Hereditary; Hereditary Cancer Syndrome; Hereditary neoplastic syndrome; Tumor predisposition. Identifiers: Orphanet 140162, MedGen C0027672, MeSH D009386, MONDO:0015356.
Familial cancer of breast. Also called: Hereditary breast cancer; hereditary breast carcinoma; BREAST CANCER, FAMILIAL. Identifiers: Orphanet 227535, MedGen C0346153, MONDO:0016419, OMIM 114480. Disease mechanism: loss of function.
Fanconi anemia complementation group J. Also called: BRIP1-Related Fanconi Anemia. Identifiers: Orphanet 84, MedGen C1836860, MONDO:0012187, OMIM 609054.

Allele frequency attached by ClinVar (database versions not stated): gnomAD exomes 0.00001 and 0.00002.
gnomAD v4.1: 22 of 1,530,602 alleles (0.0014%); highest among the groups gnomAD compares: Non-Finnish European, 0.0019%; no homozygotes.

Submissions (2):

Ambry Genetics
Classification: Uncertain significance for Hereditary cancer-predisposing syndrome. Last evaluated: 2025-09-12. Review status: criteria provided, single submitter. Criteria: Ambry Variant Classification Scheme 2023. Collection method: clinical testing. Allele origin: germline.
Comment: The c.2380-3T>A intronic variant results from a T to A substitution 3 nucleotides upstream from coding exon 16 in the BRIP1 gene. This nucleotide position is well conserved in available vertebrate species. In silico splice site analysis predicts that this alteration may weaken the native splice acceptor site; however, direct evidence is insufficient at this time (Ambry internal data). Since supporting evidence is limited at this time, the clinical significance of this alteration remains unclear.

Labcorp Genetics (formerly Invitae), Labcorp
Classification: Likely benign for Familial cancer of breast; Fanconi anemia complementation group J. Last evaluated: 2024-06-06. Review status: criteria provided, single submitter. Criteria: Invitae Variant Classification Sherloc (09022015). Collection method: clinical testing. Allele origin: germline.

NM_032043.3(BRIP1):c.2380-3T>A

Gene: BRIP1 (BRCA1 interacting DNA helicase 1; minus strand). Cytogenetic location: 17q23.2.
Variant type: single nucleotide variant.
Coding change: c.2380-3T>A on transcript NM_032043.3 (MANE Select); 3 bases into the intron before coding-DNA position 2380, T replaced by A.
Molecular consequence: intron variant.
Genome position (GRCh38, 1-based): chr17:61,716,066, A>T on the plus strand (T>A on the coding strand, the complement: BRIP1 is on the minus strand). VCF-style: chr17-61716066-A-T. GRCh37 (hg19) VCF-style: chr17-59793427-A-T.
Identifiers: ClinVar variation 142555 (VCV000142555.15), dbSNP rs587782542, ClinGen allele CA168696.